The following is an entry in ClinVar:

NM_182760.4(SUMF1):c.638A>T (p.Asp213Val)

Gene: SUMF1 (sulfatase modifying factor 1; minus strand). Cytogenetic location: 3p26.1.
Variant type: single nucleotide variant.
Coding change: c.638A>T on transcript NM_182760.4 (MANE Select); coding-DNA position 638, A replaced by T.
Protein change: p.Asp213Val; replaces aspartic acid 213 with valine.
Molecular consequence: missense variant.
Genome position (GRCh38, 1-based): chr3:4,418,097, T>A on the plus strand (A>T on the coding strand, the complement: SUMF1 is on the minus strand). VCF-style: chr3-4418097-T-A. GRCh37 (hg19) VCF-style: chr3-4459781-T-A.
Other names: c.563A>T, p.Asp188Val (NM_001164674.2); c.638A>T, p.Asp213Val (NM_001164675.2); short protein forms D213V, D188V.
Identifiers: ClinVar variation 1427391 (VCV001427391.6), dbSNP rs781215980, ClinGen allele CA351632730.
Genomic context (GRCh38, chr3:4,418,097, plus strand): 5'-TATTCCCACTCAGCTTCCGTGGGCAGCCGCTTCCCTGCCCAAGTGCAGTAGGCAACCGCA[T>A]CATTCCAGGACACATGGAGAACTGGATGATCCGGCCTGGGGAAGAGCAAAAGTAGAATGA-3'
Protein context (NP_877437.2, residues 203-223): DHPVLHVSWN[Asp213Val]AVAYCTWAGK

ClinVar aggregate classification (germline): Uncertain significance (1 of 4 stars; one submission).

Conditions:
Multiple sulfatase deficiency (MSD). Also called: Mucosulfatidosis; Multiple Sulfatase Deficiency Disease; Sulfatidosis, Juvenile, Austin Type. Identifiers: Orphanet 585, MedGen C0268263, MONDO:0010088, OMIM 272200.

Allele frequency attached by ClinVar (database versions not stated): TOPMed 0.00001.
gnomAD v4.1: 1 of 1,614,082 alleles (0.000062%); highest among the groups gnomAD compares: South Asian, 0.0011%; no homozygotes.

Submission:

Labcorp Genetics (formerly Invitae), Labcorp
Classification: Uncertain significance for Multiple sulfatase deficiency. Last evaluated: 2022-09-27. Review status: criteria provided, single submitter. Criteria: Invitae Variant Classification Sherloc (09022015). Collection method: clinical testing. Allele origin: germline.
Comment: In summary, the available evidence is currently insufficient to determine the role of this variant in disease. Therefore, it has been classified as a Variant of Uncertain Significance. This sequence change replaces aspartic acid, which is acidic and polar, with valine, which is neutral and non-polar, at codon 213 of the SUMF1 protein (p.Asp213Val). This variant is not present in population databases (gnomAD no frequency). This variant has not been reported in the literature in individuals affected with SUMF1-related conditions. ClinVar contains an entry for this variant (Variation ID: 1427391). Advanced modeling of protein sequence and biophysical properties (such as structural, functional, and spatial information, amino acid conservation, physicochemical variation, residue mobility, and thermodynamic stability) performed at Invitae indicates that this missense variant is expected to disrupt SUMF1 protein function.